The following is an entry in ClinVar:

NM_000548.5(TSC2):c.244T>C (p.Trp82Arg)

Gene: TSC2 (TSC complex subunit 2; plus strand). Cytogenetic location: 16p13.3.
Variant type: single nucleotide variant.
Coding change: c.244T>C on transcript NM_000548.5 (MANE Select); coding-DNA position 244, T replaced by C.
Protein change: p.Trp82Arg; replaces tryptophan 82 with arginine.
Molecular consequence: missense variant. On other transcripts: intron variant (2).
Genome position (GRCh38, 1-based): chr16:2,053,360, T>C. VCF-style: chr16-2053360-T-C. GRCh37 (hg19) VCF-style: chr16-2103361-T-C.
Other names: c.244T>C, p.Trp82Arg (NM_001077183.3, NM_001114382.3, NM_001363528.2 and 3 more transcripts); c.97T>C, p.Trp33Arg (NM_001318829.2); c.277T>C, p.Trp93Arg (NM_001318832.2); c.226-936T>C (NM_001318827.2); c.-1-2836T>C (NM_001318831.2); short protein forms W82R, W93R, W33R.
Identifiers: ClinVar variation 237991 (VCV000237991.8), dbSNP rs878854083, ClinGen allele CA10583278.

ClinVar aggregate classification (germline): Uncertain significance (1 of 4 stars; one submission).

Conditions:
Tuberous sclerosis 2 (TSC2). Identifiers: Orphanet 805, MedGen C1860707, MONDO:0013199, OMIM 613254.

Submission:

Labcorp Genetics (formerly Invitae), Labcorp
Classification: Uncertain significance for Tuberous sclerosis 2. Last evaluated: 2017-12-12. Review status: criteria provided, single submitter. Criteria: Invitae Variant Classification Sherloc (09022015). Collection method: clinical testing. Allele origin: germline.
Comment: In summary, the available evidence is currently insufficient to determine the role of this variant in disease. Therefore, it has been classified as a Variant of Uncertain Significance. Algorithms developed to predict the effect of missense changes on protein structure and function do not agree on the potential impact of this missense change (SIFT: "Deleterious"; PolyPhen-2: "Probably Damaging"; Align-GVGD: "Class C0"). This variant has not been reported in the literature in individuals with TSC2-related disease. ClinVar contains an entry for this variant (Variation ID: 237991). This variant is not present in population databases (ExAC no frequency). This sequence change replaces tryptophan with arginine at codon 82 of the TSC2 protein (p.Trp82Arg). The tryptophan residue is moderately conserved and there is a moderate physicochemical difference between tryptophan and arginine.